The following is an entry in ClinVar:

NM_001127178.3(PIGG):c.2575A>G (p.Asn859Asp)

Gene: PIGG (phosphatidylinositol glycan anchor biosynthesis class G (EMM blood group); plus strand). Cytogenetic location: 4p16.3.
Variant type: single nucleotide variant.
Coding change: c.2575A>G on transcript NM_001127178.3 (MANE Select); coding-DNA position 2575, A replaced by G.
Protein change: p.Asn859Asp; replaces asparagine 859 with aspartic acid.
Molecular consequence: missense variant. On other transcripts: non-coding transcript variant (10).
Genome position (GRCh38, 1-based): chr4:533,821, A>G. VCF-style: chr4-533821-A-G. GRCh37 (hg19) VCF-style: chr4-527610-A-G.
Other names: c.2308A>G, p.Asn770Asp (NM_001289051.2, NM_001345986.2); c.2176A>G, p.Asn726Asp (NM_001289052.2); c.2284A>G, p.Asn762Asp (NM_001345987.2); c.1546A>G, p.Asn516Asp (NM_001345988.2); c.1042A>G, p.Asn348Asp (NM_001345990.2, NM_001345991.2); c.1477A>G, p.Asn493Asp (NM_001345994.2); c.2551A>G, p.Asn851Asp (NM_017733.5); short protein forms N493D, N348D, N762D, N770D, N851D, N516D, N726D, N859D.
Identifiers: ClinVar variation 840630 (VCV000840630.10), dbSNP rs1729680182, ClinGen allele CA355910854.

ClinVar aggregate classification (germline): Uncertain significance (1 of 4 stars; one submission).

Conditions:
Intellectual disability, autosomal recessive 53 (NEDHSCA). Also called: GLYCOSYLPHOSPHATIDYLINOSITOL BIOSYNTHESIS DEFECT 13; Mental retardation, autosomal recessive 53; NEURODEVELOPMENTAL DISORDER WITH OR WITHOUT HYPOTONIA, SEIZURES, AND CEREBELLAR ATROPHY. Identifiers: Orphanet 488635, MedGen C4310794, MONDO:0014832, OMIM 616917.

Submission:

Labcorp Genetics (formerly Invitae), Labcorp
Classification: Uncertain significance for Intellectual disability, autosomal recessive 53. Last evaluated: 2024-02-17. Review status: criteria provided, single submitter. Criteria: Invitae Variant Classification Sherloc (09022015). Collection method: clinical testing. Allele origin: germline.
Comment: This sequence change replaces asparagine, which is neutral and polar, with aspartic acid, which is acidic and polar, at codon 859 of the PIGG protein (p.Asn859Asp). This variant is not present in population databases (gnomAD no frequency). This variant has not been reported in the literature in individuals affected with PIGG-related conditions. ClinVar contains an entry for this variant (Variation ID: 840630). Advanced modeling of protein sequence and biophysical properties (such as structural, functional, and spatial information, amino acid conservation, physicochemical variation, residue mobility, and thermodynamic stability) performed at Invitae indicates that this missense variant is expected to disrupt PIGG protein function with a positive predictive value of 80%. In summary, the available evidence is currently insufficient to determine the role of this variant in disease. Therefore, it has been classified as a Variant of Uncertain Significance.